The following is an entry in ClinVar:

NM_000059.4(BRCA2):c.7504C>A (p.Arg2502Ser)

Gene: BRCA2 (BRCA2 DNA repair associated; plus strand). Cytogenetic location: 13q13.1.
Variant type: single nucleotide variant.
Coding change: c.7504C>A on transcript NM_000059.4 (MANE Select); coding-DNA position 7504, C replaced by A.
Protein change: p.Arg2502Ser; replaces arginine 2502 with serine.
Molecular consequence: missense variant.
Genome position (GRCh38, 1-based): chr13:32,356,496, C>A. VCF-style: chr13-32356496-C-A. GRCh37 (hg19) VCF-style: chr13-32930633-C-A.
Other names: short protein forms R2502S.
Identifiers: ClinVar variation 619819 (VCV000619819.15), dbSNP rs55716624, ClinGen allele CA387743431.

ClinVar aggregate classification (germline): Conflicting classifications of pathogenicity. Review status: criteria provided, conflicting classifications (1 of 4 stars). 5 submissions from 5 submitters: Uncertain significance (4); Benign (1). Last evaluated 2025-10-03.

Conditions:
Hereditary cancer-predisposing syndrome. Also called: Tumor predisposition; Hereditary Cancer Syndrome; Neoplastic Syndromes, Hereditary; Hereditary neoplastic syndrome. Identifiers: Orphanet 140162, MedGen C0027672, MeSH D009386, MONDO:0015356.
Inherited ovarian cancer (without breast cancer).
Hereditary breast ovarian cancer syndrome. Also called: BRCA1- and BRCA2-Associated Hereditary Breast and Ovarian Cancer; Hereditary breast and ovarian cancer syndrome; Hereditary breast and ovarian cancer; Hereditary breast and ovarian cancer syndrome (HBOC); Hereditary breast and/or ovarian cancer syndrome; Breast and ovarian cancer. Identifiers: Orphanet 145, MedGen C0677776, MeSH D061325, MONDO:0003582. Disease mechanism: loss of function.

Submissions (5):

Color Diagnostics, LLC DBA Color Health
Classification: Uncertain significance for Hereditary cancer-predisposing syndrome. Last evaluated: 2025-10-03. Review status: criteria provided, single submitter. Criteria: ACMG Guidelines, 2015. Collection method: clinical testing. Allele origin: germline.
Comment: This missense variant replaces arginine with serine at codon 2502 of the BRCA2 protein. Computational prediction suggests that this variant may not impact protein structure and function. Functional studies have reported that this variant does not impact BRCA2 in sensitivity assays to cisplatin and PARP inhibitor and in a haploid cell proliferation assay (PMID: 39779848, 39779857). To our knowledge, this variant has not been reported in individuals affected with BRCA2-related disorders in the literature. This variant has not been identified in the general population by the Genome Aggregation Database (gnomAD). The available evidence is insufficient to determine the role of this variant in disease conclusively. Therefore, this variant is classified as a Variant of Uncertain Significance.

Ambry Genetics
Classification: Benign for Hereditary cancer-predisposing syndrome. Last evaluated: 2025-05-21. Review status: criteria provided, single submitter. Criteria: Ambry Variant Classification Scheme 2023. Collection method: clinical testing. Allele origin: germline.

Labcorp Genetics (formerly Invitae), Labcorp
Classification: Uncertain significance for Hereditary breast ovarian cancer syndrome. Last evaluated: 2024-08-20. Review status: criteria provided, single submitter. Criteria: Invitae Variant Classification Sherloc (09022015). Collection method: clinical testing. Allele origin: germline.
Comment: This sequence change replaces arginine, which is basic and polar, with serine, which is neutral and polar, at codon 2502 of the BRCA2 protein (p.Arg2502Ser). This variant is not present in population databases (gnomAD no frequency). This variant has not been reported in the literature in individuals affected with BRCA2-related conditions. ClinVar contains an entry for this variant (Variation ID: 619819). Invitae Evidence Modeling of protein sequence and biophysical properties (such as structural, functional, and spatial information, amino acid conservation, physicochemical variation, residue mobility, and thermodynamic stability) indicates that this missense variant is not expected to disrupt BRCA2 protein function with a negative predictive value of 95%. In summary, the available evidence is currently insufficient to determine the role of this variant in disease. Therefore, it has been classified as a Variant of Uncertain Significance.

Genomics and Molecular Medicine Service, East Genomic Laboratory Hub, NHS Genomic Medicine Service
Classification: Uncertain significance for Inherited ovarian cancer (without breast cancer). Last evaluated: 2024-06-10. Review status: criteria provided, single submitter. Criteria: ACGS Best Practice Guidelines for Variant Classification in Rare Disease 2020. Collection method: clinical testing. Allele origin: germline. Affected: yes.
Comment: PM1_Supporting,PM2,BP4

Quest Diagnostics Nichols Institute San Juan Capistrano
Classification: Uncertain significance. Last evaluated: 2019-04-15. Review status: criteria provided, single submitter. Criteria: Quest Diagnostics criteria. Collection method: clinical testing. Allele origin: germline.

Literature cited by the submitters: PubMed 39779848 (cited by Color Diagnostics, LLC DBA Color Health); PubMed 39779857 (cited by Color Diagnostics, LLC DBA Color Health).